The following is an entry in ClinVar:

ClinVar aggregate classification (germline): Uncertain significance. Review status: criteria provided, multiple submitters, no conflicts (2 of 4 stars). 2 submissions from 2 submitters: Uncertain significance (2). Last evaluated 2025-12-24.

Conditions:
Charcot-Marie-Tooth disease axonal type 2Q. Also called: CHARCOT-MARIE-TOOTH DISEASE, AXONAL, AUTOSOMAL DOMINANT, TYPE 2Q; CHARCOT-MARIE-TOOTH NEUROPATHY, TYPE 2Q. Identifiers: Orphanet 329258, MedGen C3554366, MONDO:0014012, OMIM 615025.
2-aminoadipic 2-oxoadipic aciduria (AAKAD). Also called: Aminoadipic aciduria; ALPHA-AMINOADIPIC AND ALPHA-KETOADIPIC ACIDURIA. Identifiers: Orphanet 79154, MedGen C1859817, MONDO:0008774, OMIM 204750.

Allele frequency attached by ClinVar (database versions not stated): ExAC 0.00001; gnomAD 0.00001; gnomAD exomes 0.00001; TOPMed 0.00002.

Submissions (2):

Labcorp Genetics (formerly Invitae), Labcorp
Classification: Uncertain significance for 2-aminoadipic 2-oxoadipic aciduria. Last evaluated: 2025-12-24. Review status: criteria provided, single submitter. Criteria: Invitae Variant Classification Sherloc (09022015). Collection method: clinical testing. Allele origin: germline.
Comment: This sequence change replaces serine, which is neutral and polar, with phenylalanine, which is neutral and non-polar, at codon 307 of the DHTKD1 protein (p.Ser307Phe). This variant is present in population databases (rs777908204, gnomAD 0.007%). This variant has not been reported in the literature in individuals affected with DHTKD1-related conditions. ClinVar contains an entry for this variant (Variation ID: 1033500). Invitae Evidence Modeling of protein sequence and biophysical properties (such as structural, functional, and spatial information, amino acid conservation, physicochemical variation, residue mobility, and thermodynamic stability) indicates that this missense variant is not expected to disrupt DHTKD1 protein function with a negative predictive value of 80%. In summary, the available evidence is currently insufficient to determine the role of this variant in disease. Therefore, it has been classified as a Variant of Uncertain Significance.

Baylor Genetics
Classification: Uncertain significance for Charcot-Marie-Tooth disease axonal type 2Q. Last evaluated: 2018-03-21. Review status: criteria provided, single submitter. Criteria: ACMG Guidelines, 2015. Collection method: clinical testing. Allele origin: maternal. Affected: yes.
Comment: This variant was determined to be of uncertain significance according to ACMG Guidelines, 2015 [PMID:25741868].

NM_018706.7(DHTKD1):c.920C>T (p.Ser307Phe)

Gene: DHTKD1 (dehydrogenase E1 and transketolase domain containing 1; plus strand). Cytogenetic location: 10p14.
Variant type: single nucleotide variant.
Coding change: c.920C>T on transcript NM_018706.7 (MANE Select); coding-DNA position 920, C replaced by T.
Protein change: p.Ser307Phe; replaces serine 307 with phenylalanine.
Molecular consequence: missense variant.
Genome position (GRCh38, 1-based): chr10:12,089,188, C>T. VCF-style: chr10-12089188-C-T. GRCh37 (hg19) VCF-style: chr10-12131187-C-T.
Other names: short protein forms S307F.
Identifiers: ClinVar variation 1033500 (VCV001033500.10), dbSNP rs777908204, ClinGen allele CA5407681.